The following is an entry in ClinVar:

NM_002907.4(RECQL):c.461T>G (p.Leu154Ter)

Gene: RECQL (RecQ like helicase; minus strand). Cytogenetic location: 12p12.1.
Variant type: single nucleotide variant.
Coding change: c.461T>G on transcript NM_002907.4 (MANE Select); coding-DNA position 461, T replaced by G.
Protein change: p.Leu154Ter; replaces leucine 154 with a stop codon.
Molecular consequence: nonsense.
Genome position (GRCh38, 1-based): chr12:21,486,519, A>C on the plus strand (T>G on the coding strand, the complement: RECQL is on the minus strand). VCF-style: chr12-21486519-A-C. GRCh37 (hg19) VCF-style: chr12-21639453-A-C.
Other names: c.461T>G, p.Leu154Ter (NM_032941.3); short protein forms L154*.
Identifiers: ClinVar variation 2750609 (VCV002750609.3), dbSNP rs2540386863, ClinGen allele CA384130035.
Genomic context (GRCh38, chr12:21,486,519, plus strand): 5'-AAAAAGCCACTGAAACATACCTTAGAACTAGAAGCATTTAACATGGTTGCTGAAATTCCT[A>C]ATTGTTTTAAAACCATTAATTGGTCTTCCATAAGAGAGATCAATGGGCAAATGACGAGTG-3'

ClinVar aggregate classification (germline): Uncertain significance (1 of 4 stars; one submission).

Submission:

Labcorp Genetics (formerly Invitae), Labcorp
Classification: Uncertain significance. Last evaluated: 2023-08-06. Review status: criteria provided, single submitter. Criteria: Invitae Variant Classification Sherloc (09022015). Collection method: clinical testing. Allele origin: germline.
Comment: This sequence change creates a premature translational stop signal (p.Leu154*) in the RECQL gene. It is expected to result in an absent or disrupted protein product. However, the current clinical and genetic evidence is not sufficient to establish whether loss-of-function variants in RECQL cause disease. This variant is not present in population databases (gnomAD no frequency). This variant has not been reported in the literature in individuals affected with RECQL-related conditions. In summary, the available evidence is currently insufficient to determine the role of this variant in disease. Therefore, it has been classified as a Variant of Uncertain Significance.